The following is an entry in ClinVar:

ClinVar aggregate classification (germline): Pathogenic (1 of 4 stars; one submission).

Conditions:
Hereditary cancer-predisposing syndrome. Also called: Hereditary Cancer Syndrome; Neoplastic Syndromes, Hereditary; Hereditary neoplastic syndrome; Tumor predisposition. Identifiers: Orphanet 140162, MedGen C0027672, MeSH D009386, MONDO:0015356.

Submission:

Ambry Genetics
Classification: Pathogenic for Hereditary cancer-predisposing syndrome. Last evaluated: 2014-10-08. Review status: criteria provided, single submitter. Criteria: Ambry Variant Classification Scheme 2023. Collection method: clinical testing. Allele origin: germline.
Comment: The c.1352delC pathogenic mutation, located in coding exon 9 of the FLCN gene, results from a deletion of one nucleotide at nucleotide position 1352, causing a translational frameshift with a predicted alternate stop codon. Since frameshifts are typically deleterious in nature, this alteration is interpreted as a disease-causing mutation (ACMG Recommendations for Standards for Interpretation and Reporting of Sequence Variations. Revision 2007. Genet Med. 2008;10:294).

NM_144997.7(FLCN):c.1352del (p.Pro451fs)

Gene: FLCN (folliculin; minus strand). Cytogenetic location: 17p11.2.
Variant type: Deletion.
Coding change: c.1352del on transcript NM_144997.7 (MANE Select); coding-DNA position 1352, one base deleted (C; older notation c.1352delC).
Protein change: p.Pro451fs; shifts the reading frame from proline 451.
Molecular consequence: frameshift variant.
Genome position (GRCh38, 1-based): chr17:17,215,265, G deleted on the plus strand (C on the coding strand, the reverse complement: FLCN is on the minus strand); the first of 3 consecutive G bases (chr17:17,215,265-17,215,267); deleting any one gives the same sequence. VCF-style (leftmost placement, unchanged base first): chr17-17215264-AG-A. GRCh37 (hg19) VCF-style: chr17-17118578-AG-A.
Other names: c.1352del (LRG_325t1); c.1406del, p.Pro469fs (NM_001353229.2); c.1352del, p.Pro451fs (NM_001353230.2, NM_001353231.2); short protein forms P469fs, P451fs.
Identifiers: ClinVar variation 428640 (VCV000428640.5), dbSNP rs1131690828, ClinGen allele CA645369705.